The following is an entry in ClinVar:

ClinVar aggregate classification (germline): Likely pathogenic (1 of 4 stars; one submission).

Conditions:
Epidermolysis bullosa simplex 1C, localized. Also called: EBS, ACRAL FORM; EPIDERMOLYSIS BULLOSA OF HANDS AND FEET; Localized epidermolysis bullosa simplex; Weber-Cockayne Syndrome; Epidermolysis Bullosa Simplex, Weber-Cockayne Type. Identifiers: Orphanet 79400, MedGen C0080333, MONDO:0007551, OMIM 131800.

Submission:

Institute of Human Genetics, University of Leipzig Medical Center
Classification: Likely pathogenic for Epidermolysis bullosa simplex 1C, localized. Last evaluated: 2025-07-09. Review status: criteria provided, single submitter. Criteria: ACMG Guidelines, 2015. Collection method: clinical testing. Allele origin: unknown. Inheritance: Autosomal dominant inheritance. Affected: yes.
Comment: Criteria applied: PM2,PM5,PM1_SUP,PP3,PP4

NM_000526.5(KRT14):c.1232A>G (p.Glu411Gly)

Gene: KRT14 (keratin 14; minus strand). Cytogenetic location: 17q21.2.
Variant type: single nucleotide variant.
Coding change: c.1232A>G on transcript NM_000526.5 (MANE Select); coding-DNA position 1232, A replaced by G.
Protein change: p.Glu411Gly; replaces glutamic acid 411 with glycine.
Molecular consequence: missense variant.
Genome position (GRCh38, 1-based): chr17:41,583,277, T>C on the plus strand (A>G on the coding strand, the complement: KRT14 is on the minus strand). VCF-style: chr17-41583277-T-C. GRCh37 (hg19) VCF-style: chr17-39739529-T-C.
Other names: short protein forms E411G.
Identifiers: ClinVar variation 4082343 (VCV004082343.1).